The following is an entry in ClinVar:

NM_001014809.3(CRMP1):c.1333A>G (p.Ser445Gly)

Gene: CRMP1 (collapsin response mediator protein 1; minus strand). Cytogenetic location: 4p16.2.
Variant type: single nucleotide variant.
Coding change: c.1333A>G on transcript NM_001014809.3 (MANE Select); coding-DNA position 1333, A replaced by G.
Protein change: p.Ser445Gly; replaces serine 445 with glycine.
Molecular consequence: missense variant.
Genome position (GRCh38, 1-based): chr4:5,836,884, T>C on the plus strand (A>G on the coding strand, the complement: CRMP1 is on the minus strand). VCF-style: chr4-5836884-T-C. GRCh37 (hg19) VCF-style: chr4-5838611-T-C.
Other names: c.985A>G, p.Ser329Gly (NM_001288661.2); c.973A>G, p.Ser325Gly (NM_001288662.1); c.991A>G, p.Ser331Gly (NM_001313.5); short protein forms S325G, S329G, S331G, S445G.
Identifiers: ClinVar variation 4279805 (VCV004279805.1).
Genomic context (GRCh38, chr4:5,836,884, plus strand): 5'-TCAGGGTAAAGTTGTCCTTGCCCACCGCCTTCTGGGCAGTGCTGTAGGGACAGTGGCCGC[T>C]GCCTGTGACCTGCAAGTCCCCACTGGCAAGGACAAAACAAGGTAGAGTTCAGACCCTAGT-3'
Protein context (NP_001014809.1, residues 435-455): LACGDLQVTG[Ser445Gly]GHCPYSTAQK

ClinVar aggregate classification (germline): Uncertain significance (1 of 4 stars; one submission).

Submission:

Clinical Genomics Laboratory, Washington University in St. Louis
Classification: Uncertain significance. Last evaluated: 2025-06-04. Review status: criteria provided, single submitter. Criteria: ACMG Guidelines, 2015. Collection method: clinical testing. Allele origin: germline.
Comment: The CRMP1 c.1333A>G (p.Ser445Gly) variant, to our knowledge, has not been reported in the medical literature. This variant is absent from the general population (gnomAD v.2.1.1), indicating it is not a common variant. Computational predictors indicate that the variant is damaging, evidence that correlates with impact to CRMP1 function. Due to limited information, the clinical significance of this variant is uncertain.